The following is an entry in ClinVar:

ClinVar aggregate classification (germline): Uncertain significance. Review status: criteria provided, multiple submitters, no conflicts (2 of 4 stars). 2 submissions from 2 submitters: Uncertain significance (2). Last evaluated 2025-06-10.

Conditions:
APC-related disorder. Also called: APC-related condition.
Hereditary cancer-predisposing syndrome. Also called: Tumor predisposition; Hereditary Cancer Syndrome; Neoplastic Syndromes, Hereditary; Hereditary neoplastic syndrome. Identifiers: Orphanet 140162, MedGen C0027672, MeSH D009386, MONDO:0015356.

Submissions (2):

Ambry Genetics
Classification: Uncertain significance for Hereditary cancer-predisposing syndrome. Last evaluated: 2025-06-10. Review status: criteria provided, single submitter. Criteria: Ambry Variant Classification Scheme 2023. Collection method: clinical testing. Allele origin: germline.
Comment: The p.Y863F variant (also known as c.2588A>T), located in coding exon 15 of the APC gene, results from an A to T substitution at nucleotide position 2588. The tyrosine at codon 863 is replaced by phenylalanine, an amino acid with highly similar properties. This amino acid position is not well conserved in available vertebrate species. In addition, in silico predictors for this gene do not accurately predict pathogenicity. Missense alterations in APC are not a common cause of disease (Spier I et al. Genet Med. 2024 Feb;26(2):100992). Based on the available evidence, the clinical significance of this variant remains unclear.

PreventionGenetics, part of Exact Sciences
Classification: Uncertain significance for APC-related condition. Last evaluated: 2022-11-05. Review status: criteria provided, single submitter. Criteria: ACMG Guidelines, 2015. Collection method: clinical testing. Allele origin: germline.
Comment: The APC c.2588A>T variant is predicted to result in the amino acid substitution p.Tyr863Phe. To our knowledge, this variant has not been reported in the literature or in a large population database, indicating this variant is rare. At this time, the clinical significance of this variant is uncertain due to the absence of conclusive functional and genetic evidence.

NM_000038.6(APC):c.2588A>T (p.Tyr863Phe)

Gene: APC (APC regulator of Wnt signaling pathway; plus strand). Cytogenetic location: 5q22.2.
Variant type: single nucleotide variant.
Coding change: c.2588A>T on transcript NM_000038.6 (MANE Select); coding-DNA position 2588, A replaced by T.
Protein change: p.Tyr863Phe; replaces tyrosine 863 with phenylalanine.
Molecular consequence: missense variant.
Genome position (GRCh38, 1-based): chr5:112,838,182, A>T. VCF-style: chr5-112838182-A-T. GRCh37 (hg19) VCF-style: chr5-112173879-A-T.
Other names: c.2588A>T, p.Tyr863Phe (NM_001127510.3, NM_001354895.2, NM_001407450.1); c.2534A>T, p.Tyr845Phe (NM_001127511.3); c.2642A>T, p.Tyr881Phe (NM_001354896.2, NM_001407447.1, NM_001407448.1 and 1 more transcripts); c.2618A>T, p.Tyr873Phe (NM_001354897.2); c.2513A>T, p.Tyr838Phe (NM_001354898.2); c.2504A>T, p.Tyr835Phe (NM_001354899.2); c.2465A>T, p.Tyr822Phe (NM_001354900.2); c.2411A>T, p.Tyr804Phe (NM_001354901.2, NM_001407453.1); and 11 more; short protein forms Y762F, Y772F, Y804F, Y822F, Y853F, Y863F, Y479F, Y734F.
Identifiers: ClinVar variation 1793447 (VCV001793447.4), dbSNP rs1561578213, ClinGen allele CA16027000.
Genomic context (GRCh38, chr5:112,838,182, plus strand): 5'-GTTCTCGTTCTGAAAAAGATAGAAGTTTGGAGAGAGAACGCGGAATTGGTCTAGGCAACT[A>T]CCATCCAGCAACAGAAAATCCAGGAACTTCTTCAAAGCGAGGTTTGCAGATCTCCACCAC-3'
Protein context (NP_000029.2, residues 853-873): ERERGIGLGN[Tyr863Phe]HPATENPGTS